The following is an entry in ClinVar:

ClinVar aggregate classification (germline): Uncertain significance (1 of 4 stars; one submission).

Allele frequency attached by ClinVar (database versions not stated): ExAC 0.00001.

Submission:

GeneDx
Classification: Uncertain significance. Last evaluated: 2022-04-02. Review status: criteria provided, single submitter. Criteria: GeneDx Variant Classification Process June 2021. Collection method: clinical testing. Allele origin: germline. Affected: yes.
Comment: Not observed at significant frequency in large population cohorts (gnomAD); In silico analysis supports that this missense variant has a deleterious effect on protein structure/function; Has not been previously published as pathogenic or benign to our knowledge

NM_201525.4(ADGRG1):c.1549G>T (p.Gly517Cys)

Gene: ADGRG1 (adhesion G protein-coupled receptor G1; plus strand). Cytogenetic location: 16q21.
Variant type: single nucleotide variant.
Coding change: c.1549G>T on transcript NM_201525.4 (MANE Select); coding-DNA position 1549, G replaced by T.
Protein change: p.Gly517Cys; replaces glycine 517 with cysteine.
Molecular consequence: missense variant.
Genome position (GRCh38, 1-based): chr16:57,659,675, G>T. VCF-style: chr16-57659675-G-T. GRCh37 (hg19) VCF-style: chr16-57693587-G-T.
Other names: c.1549G>T, p.Gly517Cys (NM_001145770.3, NM_001145772.3, NM_001145774.3 and 7 more transcripts); c.1567G>T, p.Gly523Cys (NM_001145771.3, NM_001370428.1, NM_001370429.1 and 4 more transcripts); c.1564G>T, p.Gly522Cys (NM_001145773.3, NM_001370433.1, NM_001370434.1); c.1057G>T, p.Gly353Cys (NM_001290142.2); c.1042G>T, p.Gly348Cys (NM_001290143.2); c.1024G>T, p.Gly342Cys (NM_001290144.2, NM_001370451.1, NM_001370453.1 and 1 more transcripts); c.1546G>T, p.Gly516Cys (NM_001370441.1); c.1393G>T, p.Gly465Cys (NM_001370442.1); short protein forms G342C, G348C, G353C, G465C, G516C, G517C, G522C, G523C.
Identifiers: ClinVar variation 1707992 (VCV001707992.2), dbSNP rs767641597, ClinGen allele CA8078773.
Genomic context (GRCh38, chr16:57,659,675, plus strand): 5'-CTCGTGGTGGAGGTCTTTGGCACCTATGTCCCTGGCTACCTACTCAAGCTGAGCGCCATG[G>T]GCTGGGGTAAGTGGTTGGGCGGGGGGTGCCTCAGACCTGCCTCTCCCACTTGGCTCTGGC-3'
Protein context (NP_958933.1, residues 507-527): PGYLLKLSAM[Gly517Cys]WGFPIFLVTL